The following is an entry in ClinVar:

ClinVar aggregate classification (germline): Uncertain significance (1 of 4 stars; one submission).

Conditions:
Hereditary cancer-predisposing syndrome. Also called: Tumor predisposition; Hereditary neoplastic syndrome; Hereditary Cancer Syndrome; Neoplastic Syndromes, Hereditary. Identifiers: Orphanet 140162, MedGen C0027672, MeSH D009386, MONDO:0015356.

Submission:

Ambry Genetics
Classification: Uncertain significance for Hereditary cancer-predisposing syndrome. Last evaluated: 2025-04-11. Review status: criteria provided, single submitter. Criteria: Ambry Variant Classification Scheme 2023. Collection method: clinical testing. Allele origin: germline.
Comment: The p.G795C variant (also known as c.2383G>T), located in coding exon 21 of the TSC2 gene, results from a G to T substitution at nucleotide position 2383. The glycine at codon 795 is replaced by cysteine, an amino acid with highly dissimilar properties. This amino acid position is conserved. In addition, this alteration is predicted to be deleterious by in silico analysis. Based on the available evidence, the clinical significance of this variant remains unclear.

NM_000548.5(TSC2):c.2383G>T (p.Gly795Cys)

Gene: TSC2 (TSC complex subunit 2; plus strand). Cytogenetic location: 16p13.3.
Variant type: single nucleotide variant.
Coding change: c.2383G>T on transcript NM_000548.5 (MANE Select); coding-DNA position 2383, G replaced by T.
Protein change: p.Gly795Cys; replaces glycine 795 with cysteine.
Molecular consequence: missense variant. On other transcripts: non-coding transcript variant (5).
Genome position (GRCh38, 1-based): chr16:2,074,227, G>T. VCF-style: chr16-2074227-G-T. GRCh37 (hg19) VCF-style: chr16-2124228-G-T.
Other names: c.2473G>T, p.Gly825Cys (NM_001406667.1, NM_001406668.1); c.2272G>T, p.Gly758Cys (NM_001406670.1, NM_001406678.1, NM_001318827.2); c.2371G>T, p.Gly791Cys (NM_001406671.1, NM_001406673.1); c.2236G>T, p.Gly746Cys (NM_001406675.1, NM_001406676.1, NM_001318829.2 and 1 more transcripts); c.2326G>T, p.Gly776Cys (NM_001406677.1); c.1039G>T, p.Gly347Cys (NM_001406689.1, NM_001406690.1, NM_001406691.1 and 6 more transcripts); c.781G>T, p.Gly261Cys (NM_001406698.1); c.2383G>T, p.Gly795Cys (NM_021055.3, NM_001077183.3, NM_001114382.3 and 6 more transcripts); and 3 more; short protein forms G758C, G795C, G347C, G595C, G641C, G776C, G261C, G746C.
Identifiers: ClinVar variation 3974653 (VCV003974653.1).
Genomic context (GRCh38, chr16:2,074,227, plus strand): 5'-CGGGTGGGGCCTGAGGTGTCCTGTCTCCTGCAGCGCGAGATGGTCTACTGCCTGGAGCAG[G>T]GCCTCATCCACCGCTGTGCCAGCCAGTGCGTCGTGGCCTTGTCCATCTGCAGCGTGGAGA-3'
Protein context (NP_000539.2, residues 785-805): QREMVYCLEQ[Gly795Cys]LIHRCASQCV